The following is an entry in ClinVar:

ClinVar aggregate classification (germline): Uncertain significance (1 of 4 stars; one submission).

Conditions:
Myofibrillar myopathy 5. Also called: Filaminopathy (type); FILAMINOPATHY, AUTOSOMAL DOMINANT. Identifiers: Orphanet 171445, MedGen C1836050, MONDO:0012289, OMIM 609524.
Hypertrophic cardiomyopathy 26. Also called: Cardiomyopathy, familial hypertrophic, 26. Identifiers: Orphanet 75249, MedGen C4310749, MONDO:0014883, OMIM 617047.
Distal myopathy with posterior leg and anterior hand involvement. Also called: WILLIAMS DISTAL MYOPATHY. Identifiers: Orphanet 63273, MedGen C3279722, MONDO:0013550, OMIM 614065.

gnomAD v4.1: 2 of 1,612,668 alleles (0.00012%); highest among the groups gnomAD compares: Admixed American, 0.0017%; no homozygotes.

Submission:

Labcorp Genetics (formerly Invitae), Labcorp
Classification: Uncertain significance for Distal myopathy with posterior leg and anterior hand involvement; Myofibrillar myopathy 5; Hypertrophic cardiomyopathy 26. Last evaluated: 2023-07-29. Review status: criteria provided, single submitter. Criteria: Invitae Variant Classification Sherloc (09022015). Collection method: clinical testing. Allele origin: germline.
Comment: This sequence change replaces proline, which is neutral and non-polar, with leucine, which is neutral and non-polar, at codon 2217 of the FLNC protein (p.Pro2217Leu). This variant is present in population databases (no rsID available, gnomAD 0.003%). In summary, the available evidence is currently insufficient to determine the role of this variant in disease. Therefore, it has been classified as a Variant of Uncertain Significance. An algorithm developed to predict the effect of missense changes on protein structure and function (PolyPhen-2) suggests that this variant is likely to be tolerated. This variant has not been reported in the literature in individuals affected with FLNC-related conditions.

NM_001458.5(FLNC):c.6650C>T (p.Pro2217Leu)

Genes: FLNC-AS1 (FLNC antisense RNA 1; minus strand), FLNC (filamin C; plus strand). Cytogenetic location: 7q32.1.
Variant type: single nucleotide variant.
Coding change: c.6650C>T on transcript NM_001458.5 (MANE Select); coding-DNA position 6650, C replaced by T.
Protein change: p.Pro2217Leu; replaces proline 2217 with leucine.
Molecular consequence: missense variant.
Genome position (GRCh38, 1-based): chr7:128,854,139, C>T. VCF-style: chr7-128854139-C-T. GRCh37 (hg19) VCF-style: chr7-128494193-C-T.
Other names: c.6551C>T, p.Pro2184Leu (NM_001127487.2); short protein forms P2217L, P2184L.
Identifiers: ClinVar variation 2946528 (VCV002946528.3), dbSNP rs1236384205, ClinGen allele CA369213006.